The following is an entry in ClinVar:

NM_001127222.2(CACNA1A):c.2173-62C>G

Gene: CACNA1A (calcium voltage-gated channel subunit alpha1 A; minus strand). Cytogenetic location: 19p13.13.
Variant type: single nucleotide variant.
Coding change: c.2173-62C>G on transcript NM_001127222.2 (MANE Select); 62 bases into the intron before coding-DNA position 2173, C replaced by G.
Molecular consequence: intron variant.
Genome position (GRCh38, 1-based): chr19:13,300,718, G>C on the plus strand (C>G on the coding strand, the complement: CACNA1A is on the minus strand). VCF-style: chr19-13300718-G-C. GRCh37 (hg19) VCF-style: chr19-13411532-G-C.
Other names: c.2176-62C>G (NM_001127221.2, NM_001174080.2); c.2185-62C>G (NM_000068.4, NM_023035.3).
Identifiers: ClinVar variation 677738 (VCV000677738.1), dbSNP rs116732979, ClinGen allele CA305507115.

ClinVar aggregate classification (germline): Likely benign (1 of 4 stars; one submission).

Allele frequency attached by ClinVar (database versions not stated): gnomAD exomes 0.00045; gnomAD 0.00485 and 0.00520; TOPMed 0.00535; 1000 Genomes Project 0.00699; 1000 Genomes Project 30x 0.00703.
gnomAD v4.1: 1,315 of 1,342,878 alleles (0.098%); highest among the groups gnomAD compares: African/African-American, 1.6%; 9 homozygotes.

Submission:

GeneDx
Classification: Likely benign. Last evaluated: 2018-06-19. Review status: criteria provided, single submitter. Criteria: GeneDx Variant Classification (06012015). Collection method: clinical testing. Allele origin: germline. Affected: yes.
Comment: This variant is considered likely benign or benign based on one or more of the following criteria: it is a conservative change, it occurs at a poorly conserved position in the protein, it is predicted to be benign by multiple in silico algorithms, and/or has population frequency not consistent with disease.